The following is an entry in ClinVar:

ClinVar aggregate classification (germline): Uncertain significance. Review status: criteria provided, multiple submitters, no conflicts (2 of 4 stars). 3 submissions from 3 submitters: Uncertain significance (3). Last evaluated 2025-10-21.

Conditions:
Hereditary cancer-predisposing syndrome. Also called: Neoplastic Syndromes, Hereditary; Tumor predisposition; Hereditary Cancer Syndrome; Hereditary neoplastic syndrome. Identifiers: Orphanet 140162, MedGen C0027672, MeSH D009386, MONDO:0015356.
Endometrial carcinoma. Also called: Endometrial carcinoma, somatic. Identifiers: MedGen C0476089, MONDO:0002447, OMIM 608089, HP:0012114.

Allele frequency attached by ClinVar (database versions not stated): gnomAD exomes below 0.00001.

Submissions (3):

Ambry Genetics
Classification: Uncertain significance for Hereditary cancer-predisposing syndrome. Last evaluated: 2025-10-21. Review status: criteria provided, single submitter. Criteria: Ambry Variant Classification Scheme 2023. Collection method: clinical testing. Allele origin: germline.
Comment: The p.I590V variant (also known as c.1768A>G), located in coding exon 13 of the MSH3 gene, results from an A to G substitution at nucleotide position 1768. The isoleucine at codon 590 is replaced by valine, an amino acid with highly similar properties. This amino acid position is highly conserved in available vertebrate species. In addition, the in silico prediction for this alteration is inconclusive. Since supporting evidence is limited at this time, the clinical significance of this alteration remains unclear.

Labcorp Genetics (formerly Invitae), Labcorp
Classification: Uncertain significance. Last evaluated: 2025-01-08. Review status: criteria provided, single submitter. Criteria: Invitae Variant Classification Sherloc (09022015). Collection method: clinical testing. Allele origin: germline.
Comment: This sequence change replaces isoleucine, which is neutral and non-polar, with valine, which is neutral and non-polar, at codon 590 of the MSH3 protein (p.Ile590Val). This variant is not present in population databases (gnomAD no frequency). This variant has not been reported in the literature in individuals affected with MSH3-related conditions. ClinVar contains an entry for this variant (Variation ID: 820043). An algorithm developed to predict the effect of missense changes on protein structure and function (PolyPhen-2) suggests that this variant is likely to be disruptive. RNA analysis performed to evaluate the impact of this missense change on mRNA splicing indicates it does not significantly alter splicing (internal data). In summary, the available evidence is currently insufficient to determine the role of this variant in disease. Therefore, it has been classified as a Variant of Uncertain Significance.

Baylor Genetics
Classification: Uncertain significance for Endometrial carcinoma. Last evaluated: 2024-01-25. Review status: criteria provided, single submitter. Criteria: ACMG Guidelines, 2015. Collection method: clinical testing. Allele origin: unknown.

NM_002439.5(MSH3):c.1768A>G (p.Ile590Val)

Gene: MSH3 (mutS homolog 3; plus strand). Cytogenetic location: 5q14.1.
Variant type: single nucleotide variant.
Coding change: c.1768A>G on transcript NM_002439.5 (MANE Select); coding-DNA position 1768, A replaced by G.
Protein change: p.Ile590Val; replaces isoleucine 590 with valine.
Molecular consequence: missense variant.
Genome position (GRCh38, 1-based): chr5:80,761,550, A>G. VCF-style: chr5-80761550-A-G. GRCh37 (hg19) VCF-style: chr5-80057369-A-G.
Other names: short protein forms I590V.
Identifiers: ClinVar variation 820043 (VCV000820043.14), dbSNP rs1580027402, ClinGen allele CA360276476.